The following is an entry in ClinVar:

NM_001271938.2(MEGF8):c.7041C>T (p.Asp2347=)

Gene: MEGF8 (multiple EGF like domains 8; plus strand). Cytogenetic location: 19q13.2.
Variant type: single nucleotide variant.
Coding change: c.7041C>T on transcript NM_001271938.2 (MANE Select); coding-DNA position 7041, C replaced by T.
Protein change: p.Asp2347=; no amino-acid change (aspartic acid 2347 retained).
Molecular consequence: synonymous variant.
Genome position (GRCh38, 1-based): chr19:42,370,736, C>T. VCF-style: chr19-42370736-C-T. GRCh37 (hg19) VCF-style: chr19-42874888-C-T.
Other names: c.6840C>T, p.Asp2280= (NM_001410.3).
Identifiers: ClinVar variation 473341 (VCV000473341.34), dbSNP rs145886667, ClinGen allele CA9476039.

ClinVar aggregate classification (germline): Benign/Likely benign. Review status: criteria provided, multiple submitters, no conflicts (2 of 4 stars). 4 submissions from 4 submitters: Benign (2); Likely benign (2). Last evaluated 2026-09-01.

Conditions:
MEGF8-related Carpenter syndrome. Also called: Carpenter syndrome 2. Identifiers: Orphanet 65759, MedGen C3554247, MONDO:0013998, OMIM 614976.

Allele frequency attached by ClinVar (database versions not stated): 1000 Genomes Project 30x 0.00078; TOPMed 0.00090; 1000 Genomes Project 0.00100; ESP Exome Variant Server 0.00146; gnomAD 0.00175 and 0.00177; gnomAD exomes 0.00219; ExAC 0.00339.

Submissions (4):

CeGaT Center for Human Genetics Tuebingen
Classification: Likely benign. Last evaluated: 2026-09-01. Review status: criteria provided, single submitter. Criteria: CeGaT Center For Human Genetics Tuebingen Variant Classification Criteria Version 2. Collection method: clinical testing. Allele origin: germline. Affected: yes. Observed: 6 variant alleles.
Comment: MEGF8: BP4, BP7

Labcorp Genetics (formerly Invitae), Labcorp
Classification: Benign for MEGF8-related Carpenter syndrome. Last evaluated: 2026-01-12. Review status: criteria provided, single submitter. Criteria: Invitae Variant Classification Sherloc (09022015). Collection method: clinical testing. Allele origin: germline.

Blueprint Genetics
Classification: Likely benign. Last evaluated: 2024-11-21. Review status: criteria provided, single submitter. Criteria: ACMG Guidelines, 2015. Collection method: clinical testing. Allele origin: germline.

Breakthrough Genomics
Classification: Benign. Review status: criteria provided, single submitter. Criteria: ACMG Guidelines, 2015. Collection method: not provided. Allele origin: germline. Inheritance: Autosomal recessive inheritance. Affected: yes.